The following continues an entry in ClinVar:

NM_000492.3(CFTR):c.1210-12T[5]

ClinVar aggregate classification (germline): Pathogenic/Likely pathogenic. Pathogenic (23); Likely pathogenic (4).

Submissions 13 to 31 of 48:

Illumina Laboratory Services, Illumina
Classification: Pathogenic for CFTR-related disorder. Last evaluated: 2024-02-13. Review status: criteria provided, single submitter. Criteria: ICSLVariantClassificationCriteria RUGD 01 April 2020. Collection method: clinical testing. Allele origin: unknown.
Comment: The CFTR c.1210-7_1210-6del variant, also known as c.1210-12T[5] and commonly referred to as the 5T allele, occurs in the poly T tract in intron 9. This variant has been identified in trans with pathogenic variants in CFTR in individuals with a phenotype consistent with CFTR-related disorders, including in men diagnosed with CBAVD and individuals with a range of presentations of cystic fibrosis (PMID: 14685937; 28456595;16126774; 34196078; 27447098). The variant exhibits variable penetrance and is considered to be a disease susceptibility variant dependent on presence of other variants, including the length of the TG tract on the same allele (PMID: 20301428). The highest frequency of this allele in the Genome Aggregation Database is 0.07012 in the African/African-American population which includes 25 homozygotes (version 2.1.1). Functional studies conducted in human cell lines demonstrated that this variant results in abnormal splicing with decreased efficiency of intron 9 splicing (intron 8 with legacy nomenclature) resulting in exclusion of exon 10 in a significant percentage of transcripts (PMID: 34196078; 10556281). This variant has been classified as pathogenic by at least three submitters in ClinVar. Based on the available evidence, the c.1210-7_1210-6del variant is classified as pathogenic for CFTR-related disorders with reduced penetrance and variable severity.

ARUP Laboratories, Molecular Genetics and Genomics, ARUP Laboratories
Classification: Pathogenic. Last evaluated: 2023-11-24. Review status: criteria provided, single submitter. Criteria: ARUP Molecular Germline Variant Investigation Process 2024. Collection method: clinical testing. Allele origin: germline.
Comment: The 11TG-5T variant in IVS8 is the mildest type of 5T variant. When combined with a pathogenic variant on the other chromosome, this variant is not expected to cause classic cystic fibrosis (CF), but may cause a CFTR-related disorder (i.e., an isolated presentation of pancreatitis, congenital bilateral absence of the vas deferens, or mild lung disease) (CFTR2 database). Link to CFTR2 database

Department of Pathology and Laboratory Medicine, Sinai Health System
Classification: Pathogenic for Congenital bilateral aplasia of vas deferens from CFTR mutation; Cystic fibrosis; Bronchiectasis with or without elevated sweat chloride 1. Last evaluated: 2023-10-16. Review status: criteria provided, single submitter. Criteria: ACMG Guidelines, 2015. Collection method: research. Allele origin: germline.

Dubai Health Genomic Medicine Center, Dubai Health
Classification: Pathogenic. Last evaluated: 2022-12-17. Review status: criteria provided, single submitter. Criteria: ACMG Guidelines, 2015. Collection method: clinical testing. Allele origin: germline. Affected: yes.

Department of Human Genetics, Hannover Medical School
Classification: Likely pathogenic for Hereditary pancreatitis. Last evaluated: 2022-04-13. Review status: criteria provided, single submitter. Criteria: ACMG Guidelines, 2015. Collection method: clinical testing. Allele origin: germline. Inheritance: Autosomal recessive inheritance. Affected: yes.

Laboratorio de Genetica e Diagnostico Molecular, Hospital Israelita Albert Einstein
Classification: Pathogenic for Hereditary pancreatitis. Last evaluated: 2022-02-01. Review status: criteria provided, single submitter. Criteria: ACMG Guidelines, 2015. Collection method: clinical testing. Allele origin: germline. Affected: yes.
Comment: ACMG classification criteria: PS3 supporting, PS4 strong, PM3 very strong

Labcorp Genetics (formerly Invitae), Labcorp
Classification: Pathogenic for Cystic fibrosis. Last evaluated: 2021-12-12. Review status: criteria provided, single submitter. Criteria: Invitae Variant Classification Sherloc (09022015). Collection method: clinical testing. Allele origin: germline.
Comment: This sequence change, also referred to as 5T;TG11 or TG11-5T in the literature, consists of 11 TG and 5 T sequence repeats on the same chromosome, and is located in intron 9 of the CFTR gene. It does not directly change the encoded amino acid sequence of the CFTR protein. The frequency data for this variant in the population databases is considered unreliable, as metrics indicate poor data quality at this position in the gnomAD database. The TG[11]T[5] allele has been observed in males with congenital bilateral absence of the vas deferens (CBAVD), with a penetrance of ~32%, when present on the opposite chromosome (in trans) from a severe pathogenic CFTR variant (PMID: 14685937). The TG[11]T[5] allele is not expected to cause cystic fibrosis in either males or females when in trans with a severe pathogenic CFTR variant (PMID: 14685937, 27447098), although individuals with borderline sweat chloride results and/or mild respiratory disease have been reported (PMID: 16778595). The combination of the TG[11]T[5] allele in trans with another 5T allele (TG11-13), is unlikely to be associated with CFTR-related symptoms (PMID: 21520337, 34196078). Algorithms developed to predict the effect of variants on protein structure and function are not available or were not evaluated for this variant. Experimental studies demonstrate that the 5T allele leads to exclusion of exon 10 (referred to as exon 9 in some publications) from the mRNA, which ultimately results in a non-functional CFTR protein (PMID: 7691356, 7684641, 10556281, 14685937, 21658649) and partial loss of function. Importantly, the number of TG repeats (11, 12 or 13) modifies the extent of exon 10 skipping when in cis with the 5T allele (PMID: 14685937, 10556281, 9435322). In a mini-gene assay, the percentage of CFTR mRNA without exon 10 was 54% for TG[11]T[5], 72% for TG[12]T[5] and 100% for TG[13]T[5] (PMID: 10556281). In summary, this variant is reported to cause disease. However, as this variant is associated with a lower penetrance than other pathogenic alleles in the CFTR gene, it has been classified as Pathogenic (low penetrance).

Institute of Reproductive Genetics, University of Münster
Classification: Likely pathogenic for Obstructive azoospermia. Last evaluated: 2021-08-23. Review status: criteria provided, single submitter. Criteria: ACMG Guidelines, 2015. Collection method: clinical testing. Allele origin: germline. Affected: yes. Observed: 4 variant alleles.

Genome-Nilou Lab
Classification: Pathogenic for Congenital bilateral aplasia of vas deferens from CFTR mutation. Last evaluated: 2021-07-22. Review status: criteria provided, single submitter. Criteria: ACMG Guidelines, 2015. Collection method: clinical testing. Allele origin: germline. Affected: no.

Myriad Genetics, Inc.
Classification: Pathogenic for Cystic fibrosis. Last evaluated: 2019-10-18. Review status: criteria provided, single submitter. Criteria: Myriad Women's Health Autosomal Recessive and X-Linked Classification Criteria (2019). Collection method: clinical testing. Allele origin: unknown.
Comment: NM_000492.3(CFTR):c.1210-7_1210-6delTT(aka IVS8-5T or 5T) is a variant within the polyT tract located within intron 8 of the CFTR gene. 5T has been observed in individuals diagnosed with cystic fibrosis but has also been observed in healthy individuals (PMID 23974870; gnomAD: AFR 7.085%). Please note that 5T is not associated with cystic fibrosis when detected in isolation and the American College of Medical Genetics does not recommend reporting 5T status through routine carrier screening when detected in isolation. However, 5T is considered an incompletely penetrant pathogenic variant that may result in cystic fibrosis when present on the same chromosome as R117H and combined with another pathogenic CFTR variant on the other chromosome. In the absence of R117H, 5T may be associated with CFTR-related disorders depending on the presence of other deleterious variants in the gene. In summary, classification of 5T is based on the following criteria: high frequency variant with incomplete penetrance and variable severity dependent on the presence of other variants in the CFTR gene. Please note: this allele was assessed in the context of healthy population screening.

Mendelics
Classification: Pathogenic for Cystic fibrosis. Last evaluated: 2018-11-05. Review status: criteria provided, single submitter. Criteria: Mendelics Assertion Criteria 2017. Collection method: clinical testing. Allele origin: unknown. Affected: yes.

CFTR-France
Classification: Pathogenic for cystic fibrosis; CFTR-related disorders. Last evaluated: 2018-01-29. Review status: criteria provided, single submitter. Criteria: Claustres M et al. (Hum Mutat 2017). Collection method: curation. Allele origin: germline. Affected: yes.
Comment: when the variant is in trans with another CF-causing variation, can either result in CF or in a CFTR-RD

Eurofins Ntd Llc (ga)
Classification: Pathogenic. Last evaluated: 2017-03-17. Review status: criteria provided, single submitter. Criteria: EGL Classification Definitions 2015. Collection method: clinical testing. Allele origin: germline. Observed: 177 variant alleles, 67 heterozygotes, 2 homozygotes.

Juno Genomics, Hangzhou Juno Genomics, Inc
Classification: Pathogenic for Bronchiectasis with or without elevated sweat chloride 1; Hereditary pancreatitis; Congenital bilateral aplasia of vas deferens from CFTR mutation; Cystic fibrosis. Review status: criteria provided, single submitter. Criteria: ACMG Guidelines, 2015. Collection method: clinical testing. Allele origin: germline.
Comment: Null variant in a gene where loss of function (LOF) is a known mechanism of disease.;The prevalence of the variant in affected individuals is significantly increased compared to the prevalence in controls.;For recessive disorders, detected in trans with a pathogenic variant.

Kariminejad - Najmabadi Pathology & Genetics Center
Classification: Likely pathogenic for Cystic fibrosis. Review status: criteria provided, single submitter. Criteria: ACMG Guidelines, 2015. Collection method: clinical testing. Allele origin: germline. Affected: no.

OMIM
Classification: Pathogenic for VAS DEFERENS, CONGENITAL BILATERAL ABSENCE OF. Last evaluated: 2008-05-28. Review status: no assertion criteria provided. Collection method: literature only. Allele origin: germline. Not counted in ClinVar's aggregate classification.

OMIM
Classification: risk factor for BRONCHIECTASIS WITH OR WITHOUT ELEVATED SWEAT CHLORIDE 1, MODIFIER OF. Last evaluated: 2008-05-28. Review status: no assertion criteria provided. Collection method: literature only. Allele origin: germline. Not counted in ClinVar's aggregate classification.

Dr. Peter K. Rogan Lab, Western University
No classification provided (evidence only). Condition: Cholangiocarcinoma. Review status: no classification provided. Collection method: in vitro. Allele origin: not applicable. Functional consequence: skipped exon, retained intron. Not counted in ClinVar's aggregate classification.

Dr. Peter K. Rogan Lab, Western University
No classification provided (evidence only). Condition: Colon adenocarcinoma. Review status: no classification provided. Collection method: in vitro. Allele origin: not applicable. Functional consequence: skipped exon. Not counted in ClinVar's aggregate classification.